The following is an entry in ClinVar:

ClinVar aggregate classification (germline): Uncertain significance (1 of 4 stars; one submission).

Conditions:
Norman-Roberts syndrome (LIS2). Also called: Lissencephaly 2 (Norman-Roberts type). Identifiers: Orphanet 89844, MedGen C0796089, MONDO:0009760, OMIM 257320.
Familial temporal lobe epilepsy 7. Identifiers: Orphanet 101046, MedGen C4225327, MONDO:0014639, OMIM 616436.

Allele frequency attached by ClinVar (database versions not stated): TOPMed 0.00001.

Submission:

Labcorp Genetics (formerly Invitae), Labcorp
Classification: Uncertain significance for Familial temporal lobe epilepsy 7; Norman-Roberts syndrome. Last evaluated: 2026-01-05. Review status: criteria provided, single submitter. Criteria: Invitae Variant Classification Sherloc (09022015). Collection method: clinical testing. Allele origin: germline.
Comment: This sequence change replaces glutamine, which is neutral and polar, with histidine, which is basic and polar, at codon 2176 of the RELN protein (p.Gln2176His). This variant is not present in population databases (gnomAD no frequency). This variant has not been reported in the literature in individuals affected with RELN-related conditions. ClinVar contains an entry for this variant (Variation ID: 1034475). Invitae Evidence Modeling of protein sequence and biophysical properties (such as structural, functional, and spatial information, amino acid conservation, physicochemical variation, residue mobility, and thermodynamic stability) indicates that this missense variant is not expected to disrupt RELN protein function with a negative predictive value of 80%. In summary, the available evidence is currently insufficient to determine the role of this variant in disease. Therefore, it has been classified as a Variant of Uncertain Significance.

NM_005045.4(RELN):c.6528G>T (p.Gln2176His)

Gene: RELN (reelin; minus strand). Cytogenetic location: 7q22.1.
Variant type: single nucleotide variant.
Coding change: c.6528G>T on transcript NM_005045.4 (MANE Select); coding-DNA position 6528, G replaced by T.
Protein change: p.Gln2176His; replaces glutamine 2176 with histidine.
Molecular consequence: missense variant.
Genome position (GRCh38, 1-based): chr7:103,542,874, C>A on the plus strand (G>T on the coding strand, the complement: RELN is on the minus strand). VCF-style: chr7-103542874-C-A. GRCh37 (hg19) VCF-style: chr7-103183321-C-A.
Other names: c.6528G>T, p.Gln2176His (NM_173054.3); short protein forms Q2176H.
Identifiers: ClinVar variation 1034475 (VCV001034475.8), dbSNP rs1830203883, ClinGen allele CA368770693.